The following is an entry in ClinVar:

NM_005677.4(COLQ):c.812C>T (p.Ala271Val)

Gene: COLQ (collagen like tail subunit of asymmetric acetylcholinesterase; minus strand). Cytogenetic location: 3p25.1.
Variant type: single nucleotide variant.
Coding change: c.812C>T on transcript NM_005677.4 (MANE Select); coding-DNA position 812, C replaced by T.
Protein change: p.Ala271Val; replaces alanine 271 with valine.
Molecular consequence: missense variant.
Genome position (GRCh38, 1-based): chr3:15,466,343, G>A on the plus strand (C>T on the coding strand, the complement: COLQ is on the minus strand). VCF-style: chr3-15466343-G-A. GRCh37 (hg19) VCF-style: chr3-15507850-G-A.
Other names: c.782C>T, p.Ala261Val (NM_080538.2); c.710C>T, p.Ala237Val (NM_080539.4); short protein forms A271V, A237V, A261V.
Identifiers: ClinVar variation 546931 (VCV000546931.54), dbSNP rs373735085, ClinGen allele CA2275965.

ClinVar aggregate classification (germline): Uncertain significance. Review status: criteria provided, multiple submitters, no conflicts (2 of 4 stars). 4 submissions from 4 submitters: Uncertain significance (4). Last evaluated 2022-09-01.

Conditions:
Congenital myasthenic syndrome 5. Identifiers: Orphanet 590, MedGen C1864233, MONDO:0011281, OMIM 603034.

Allele frequency attached by ClinVar (database versions not stated): gnomAD exomes 0.00005 and 0.00008; ExAC 0.00007; ESP Exome Variant Server 0.00008; gnomAD 0.00010 and 0.00011; TOPMed 0.00010.
gnomAD v4.1: 126 of 1,612,206 alleles (0.0078%); highest among the groups gnomAD compares: Middle Eastern, 0.016%; no homozygotes.

Submissions (4):

Labcorp Genetics (formerly Invitae), Labcorp
Classification: Uncertain significance for Congenital myasthenic syndrome 5. Last evaluated: 2022-09-01. Review status: criteria provided, single submitter. Criteria: Invitae Variant Classification Sherloc (09022015). Collection method: clinical testing. Allele origin: germline.
Comment: This sequence change replaces alanine, which is neutral and non-polar, with valine, which is neutral and non-polar, at codon 271 of the COLQ protein (p.Ala271Val). This variant is present in population databases (rs373735085, gnomAD 0.01%). This variant has not been reported in the literature in individuals affected with COLQ-related conditions. ClinVar contains an entry for this variant (Variation ID: 546931). Algorithms developed to predict the effect of missense changes on protein structure and function are either unavailable or do not agree on the potential impact of this missense change (SIFT: "Tolerated"; PolyPhen-2: "Not Available"; Align-GVGD: "Class C0"). Algorithms developed to predict the effect of sequence changes on RNA splicing suggest that this variant may disrupt the consensus splice site. In summary, the available evidence is currently insufficient to determine the role of this variant in disease. Therefore, it has been classified as a Variant of Uncertain Significance.

Revvity Omics, Revvity
Classification: Uncertain significance for Congenital myasthenic syndrome 5. Last evaluated: 2019-10-17. Review status: criteria provided, single submitter. Criteria: ACMG Guidelines, 2015. Collection method: clinical testing. Allele origin: germline.

Illumina Laboratory Services, Illumina
Classification: Uncertain significance for Congenital myasthenic syndrome 5. Last evaluated: 2018-01-13. Review status: criteria provided, single submitter. Criteria: ICSL Variant Classification Criteria 13 December 2019. Collection method: clinical testing. Allele origin: germline.

CeGaT Center for Human Genetics Tuebingen
Classification: Uncertain significance. Last evaluated: 2017-11-01. Review status: criteria provided, single submitter. Criteria: CeGaT Center For Human Genetics Tuebingen Variant Classification Criteria Version 2. Collection method: clinical testing. Allele origin: germline. Affected: yes. Observed: 1 variant allele.